The following is an entry in ClinVar:

ClinVar aggregate classification (germline): Uncertain significance. Review status: criteria provided, multiple submitters, no conflicts (2 of 4 stars). 3 submissions from 3 submitters: Uncertain significance (3). Last evaluated 2025-03-17.

Conditions:
Bardet-Biedl syndrome 17 (BBS17). Identifiers: Orphanet 110, MedGen C3714980, MONDO:0014445, OMIM 615994.

Allele frequency attached by ClinVar (database versions not stated): gnomAD exomes below 0.00001; TOPMed below 0.00001.
gnomAD v4.1: 1 of 1,558,888 alleles (0.000064%); highest among the groups gnomAD compares: Non-Finnish European, 0.000088%; no homozygotes.

Submissions (3):

Labcorp Genetics (formerly Invitae), Labcorp
Classification: Uncertain significance. Last evaluated: 2025-03-17. Review status: criteria provided, single submitter. Criteria: Invitae Variant Classification Sherloc (09022015). Collection method: clinical testing. Allele origin: germline.
Comment: This sequence change falls in intron 3 of the LZTFL1 gene. It does not directly change the encoded amino acid sequence of the LZTFL1 protein. It affects a nucleotide within the consensus splice site. This variant is not present in population databases (gnomAD no frequency). This variant has not been reported in the literature in individuals affected with LZTFL1-related conditions. ClinVar contains an entry for this variant (Variation ID: 1314341). Variants that disrupt the consensus splice site are a relatively common cause of aberrant splicing (PMID: 17576681, 9536098). Algorithms developed to predict the effect of sequence changes on RNA splicing suggest that this variant may disrupt the consensus splice site. In summary, the available evidence is currently insufficient to determine the role of this variant in disease. Therefore, it has been classified as a Variant of Uncertain Significance.

Baylor Genetics
Classification: Uncertain significance for Bardet-Biedl syndrome 17. Last evaluated: 2024-01-02. Review status: criteria provided, single submitter. Criteria: ACMG Guidelines, 2015. Collection method: clinical testing. Allele origin: unknown.

GeneDx
Classification: Uncertain significance. Last evaluated: 2021-04-08. Review status: criteria provided, single submitter. Criteria: GeneDx Variant Classification Process June 2021. Collection method: clinical testing. Allele origin: germline. Affected: yes.
Comment: Has not been previously published as pathogenic or benign to our knowledge; In silico analysis supports a deleterious effect on splicing

Literature cited by the submitters: PubMed 17576681 (cited by Labcorp Genetics (formerly Invitae), Labcorp); PubMed 9536098 (cited by Labcorp Genetics (formerly Invitae), Labcorp).

NM_020347.4(LZTFL1):c.324-3A>G

Gene: LZTFL1 (leucine zipper transcription factor like 1; minus strand). Cytogenetic location: 3p21.31.
Variant type: single nucleotide variant.
Coding change: c.324-3A>G on transcript NM_020347.4 (MANE Select); 3 bases into the intron before coding-DNA position 324, A replaced by G.
Molecular consequence: intron variant.
Genome position (GRCh38, 1-based): chr3:45,834,301, T>C on the plus strand (A>G on the coding strand, the complement: LZTFL1 is on the minus strand). VCF-style: chr3-45834301-T-C. GRCh37 (hg19) VCF-style: chr3-45875793-T-C.
Other names: c.312-3A>G (NM_001276379.2); c.273-3A>G (NM_001276378.2, NM_001386451.1); c.324-3A>G (NM_001386452.1).
Identifiers: ClinVar variation 1314341 (VCV001314341.7), dbSNP rs1298265304, ClinGen allele CA542704090.